The following is an entry in ClinVar:

NM_000722.4(CACNA2D1):c.3130C>T (p.Pro1044Ser)

Gene: CACNA2D1 (calcium voltage-gated channel auxiliary subunit alpha2delta 1; minus strand). Cytogenetic location: 7q21.11.
Variant type: single nucleotide variant.
Coding change: c.3130C>T on transcript NM_000722.4 (MANE Select); coding-DNA position 3130, C replaced by T.
Protein change: p.Pro1044Ser; replaces proline 1044 with serine.
Molecular consequence: missense variant.
Genome position (GRCh38, 1-based): chr7:81,959,304, G>A on the plus strand (C>T on the coding strand, the complement: CACNA2D1 is on the minus strand). VCF-style: chr7-81959304-G-A. GRCh37 (hg19) VCF-style: chr7-81588620-G-A.
Other names: c.3166C>T, p.Pro1056Ser (NM_001366867.1); short protein forms P1044S, P1056S.
Identifiers: ClinVar variation 2918930 (VCV002918930.3), dbSNP rs1239458608, ClinGen allele CA367881061.

ClinVar aggregate classification (germline): Uncertain significance (1 of 4 stars; one submission).

Conditions:
Brugada syndrome. Also called: Sudden unexpected nocturnal death syndrome; Sudden unexplained nocturnal death syndrome; Sudden Unexplained Death Syndrome; Sudden Unexplained Nocturnal Death Syndrome (SUNDS). Identifiers: Orphanet 130, MedGen C1142166, MONDO:0015263.

Allele frequency attached by ClinVar (database versions not stated): gnomAD exomes below 0.00001.
gnomAD v4.1: 2 of 1,610,620 alleles (0.00012%); highest among the groups gnomAD compares: South Asian, 0.0022%; no homozygotes.

Submission:

Labcorp Genetics (formerly Invitae), Labcorp
Classification: Uncertain significance for Brugada syndrome. Last evaluated: 2022-11-20. Review status: criteria provided, single submitter. Criteria: Invitae Variant Classification Sherloc (09022015). Collection method: clinical testing. Allele origin: germline.
Comment: In summary, the available evidence is currently insufficient to determine the role of this variant in disease. Therefore, it has been classified as a Variant of Uncertain Significance. Algorithms developed to predict the effect of missense changes on protein structure and function are either unavailable or do not agree on the potential impact of this missense change (SIFT: "Deleterious"; PolyPhen-2: "Probably Damaging"; Align-GVGD: "Class C0"). This variant has not been reported in the literature in individuals affected with CACNA2D1-related conditions. This variant is present in population databases (no rsID available, gnomAD 0.003%). This sequence change replaces proline, which is neutral and non-polar, with serine, which is neutral and polar, at codon 1044 of the CACNA2D1 protein (p.Pro1044Ser).